The following is an entry in ClinVar:

ClinVar aggregate classification (germline): Uncertain significance. Review status: criteria provided, multiple submitters, no conflicts (2 of 4 stars). 3 submissions from 3 submitters: Uncertain significance (3). Last evaluated 2021-04-25.

Conditions:
Retinitis pigmentosa (RP). Identifiers: Orphanet 791, MedGen C0035334, MeSH D012174, MONDO:0019200, OMIM 268000. Inheritance: Autosomal dominant, autosomal recessive and X linked inheritance.

Allele frequency attached by ClinVar (database versions not stated): TOPMed below 0.00001; ExAC 0.00001; gnomAD exomes 0.00001; gnomAD 0.00002.
gnomAD v4.1: 11 of 1,614,044 alleles (0.00068%); highest among the groups gnomAD compares: South Asian, 0.0066%; no homozygotes.

Submissions (3):

Labcorp Genetics (formerly Invitae), Labcorp
Classification: Uncertain significance. Last evaluated: 2021-04-25. Review status: criteria provided, single submitter. Criteria: Invitae Variant Classification Sherloc (09022015). Collection method: clinical testing. Allele origin: germline.
Comment: In summary, the available evidence is currently insufficient to determine the role of this variant in disease. Therefore, it has been classified as a Variant of Uncertain Significance. Algorithms developed to predict the effect of missense changes on protein structure and function are either unavailable or do not agree on the potential impact of this missense change (SIFT: "Deleterious"; PolyPhen-2: "Probably Damaging"; Align-GVGD: "Class C0"). This variant has not been reported in the literature in individuals with RP1-related conditions. ClinVar contains an entry for this variant (Variation ID: 910945). This variant is present in population databases (rs753472746, ExAC 0.006%). This sequence change replaces isoleucine with threonine at codon 480 of the RP1 protein (p.Ile480Thr). The isoleucine residue is moderately conserved and there is a moderate physicochemical difference between isoleucine and threonine.

Blueprint Genetics
Classification: Uncertain significance. Last evaluated: 2019-04-19. Review status: criteria provided, single submitter. Criteria: ACMG Guidelines, 2015. Collection method: clinical testing. Allele origin: germline.

Illumina Laboratory Services, Illumina
Classification: Uncertain significance for Retinitis pigmentosa. Last evaluated: 2018-01-15. Review status: criteria provided, single submitter. Criteria: ICSL Variant Classification Criteria 13 December 2019. Collection method: clinical testing. Allele origin: germline.

NM_006269.2(RP1):c.1439T>C (p.Ile480Thr)

Gene: RP1 (RP1 axonemal microtubule associated; plus strand). Cytogenetic location: 8q12.1.
Variant type: single nucleotide variant.
Coding change: c.1439T>C on transcript NM_006269.2 (MANE Select); coding-DNA position 1439, T replaced by C.
Protein change: p.Ile480Thr; replaces isoleucine 480 with threonine.
Molecular consequence: missense variant. On other transcripts: intron variant (1).
Genome position (GRCh38, 1-based): chr8:54,625,321, T>C. VCF-style: chr8-54625321-T-C. GRCh37 (hg19) VCF-style: chr8-55537881-T-C.
Other names: c.787+3033T>C (NM_001375654.1); short protein forms I480T.
Identifiers: ClinVar variation 910945 (VCV000910945.12), dbSNP rs753472746, ClinGen allele CA4751376.